The following is an entry in ClinVar:

NM_012144.4(DNAI1):c.272A>G (p.Tyr91Cys)

Gene: DNAI1 (dynein axonemal intermediate chain 1; plus strand). Cytogenetic location: 9p13.3.
Variant type: single nucleotide variant.
Coding change: c.272A>G on transcript NM_012144.4 (MANE Select); coding-DNA position 272, A replaced by G.
Protein change: p.Tyr91Cys; replaces tyrosine 91 with cysteine.
Molecular consequence: missense variant.
Genome position (GRCh38, 1-based): chr9:34,489,333, A>G. VCF-style: chr9-34489333-A-G. GRCh37 (hg19) VCF-style: chr9-34489331-A-G.
Other names: c.272A>G, p.Tyr91Cys (NM_001281428.2); short protein forms Y91C.
Identifiers: ClinVar variation 4627859 (VCV004627859.1).

ClinVar aggregate classification (germline): Uncertain significance (1 of 4 stars; one submission).

Conditions:
Primary ciliary dyskinesia. Also called: Ciliary dyskinesia. Identifiers: Orphanet 244, MedGen C0008780, MONDO:0016575, HP:0012265.

gnomAD v4.1: 2 of 1,613,938 alleles (0.00012%); highest among the groups gnomAD compares: African/African-American, 0.0027%; no homozygotes.

Submission:

Ambry Genetics
Classification: Uncertain significance for Primary ciliary dyskinesia. Last evaluated: 2025-11-25. Review status: criteria provided, single submitter. Criteria: Ambry Variant Classification Scheme 2023. Collection method: clinical testing. Allele origin: germline.
Comment: The p.Y91C variant (also known as c.272A>G), located in coding exon 5 of the DNAI1 gene, results from an A to G substitution at nucleotide position 272. The tyrosine at codon 91 is replaced by cysteine, an amino acid with highly dissimilar properties. This amino acid position is conserved. In addition, the in silico prediction for this alteration is inconclusive. Based on the available evidence, the clinical significance of this variant remains unclear.